The following is an entry in ClinVar:

ClinVar aggregate classification (germline): Benign/Likely benign. Review status: criteria provided, multiple submitters, no conflicts (2 of 4 stars). 2 submissions from 2 submitters: Benign (1); Likely benign (1). Last evaluated 2025-09-16.

gnomAD v4.1: 42,176 of 1,590,586 alleles (2.7%); highest among the groups gnomAD compares: Non-Finnish European, 3.2%; 688 homozygotes.

Submissions (22):

Mayo Clinic Laboratories, Mayo Clinic
Classification: Benign. Last evaluated: 2025-09-16. Review status: criteria provided, single submitter. Criteria: ACMG Guidelines, 2015. Collection method: clinical testing. Allele origin: germline. Observed: 27 variant alleles.
Comment: BS1, BS2, BP4, BP7

Blueprint Genetics
Classification: Likely benign. Last evaluated: 2024-11-26. Review status: criteria provided, single submitter. Criteria: ACMG Guidelines, 2015. Collection method: clinical testing. Allele origin: germline.

Dr. Peter K. Rogan Lab, Western University
No classification provided (evidence only). Condition: Melanoma. Review status: no classification provided. Collection method: in vitro. Allele origin: not applicable. Functional consequence: retained intron. Not counted in ClinVar's aggregate classification.

Dr. Peter K. Rogan Lab, Western University
No classification provided (evidence only). Condition: Melanoma. Review status: no classification provided. Collection method: in vitro. Allele origin: not applicable. Functional consequence: retained intron. Not counted in ClinVar's aggregate classification.

Dr. Peter K. Rogan Lab, Western University
No classification provided (evidence only). Condition: Melanoma. Review status: no classification provided. Collection method: in vitro. Allele origin: not applicable. Functional consequence: retained intron. Not counted in ClinVar's aggregate classification.

Dr. Peter K. Rogan Lab, Western University
No classification provided (evidence only). Condition: Acute myeloid leukemia. Review status: no classification provided. Collection method: in vitro. Allele origin: not applicable. Functional consequence: retained intron. Not counted in ClinVar's aggregate classification.

Dr. Peter K. Rogan Lab, Western University
No classification provided (evidence only). Condition: Acute myeloid leukemia. Review status: no classification provided. Collection method: in vitro. Allele origin: not applicable. Functional consequence: retained intron. Not counted in ClinVar's aggregate classification.

Dr. Peter K. Rogan Lab, Western University
No classification provided (evidence only). Condition: Acute myeloid leukemia. Review status: no classification provided. Collection method: in vitro. Allele origin: not applicable. Functional consequence: retained intron. Not counted in ClinVar's aggregate classification.

Dr. Peter K. Rogan Lab, Western University
No classification provided (evidence only). Condition: Acute myeloid leukemia. Review status: no classification provided. Collection method: in vitro. Allele origin: not applicable. Functional consequence: retained intron. Not counted in ClinVar's aggregate classification.

Dr. Peter K. Rogan Lab, Western University
No classification provided (evidence only). Condition: Uterine corpus endometrial carcinoma. Review status: no classification provided. Collection method: in vitro. Allele origin: not applicable. Functional consequence: retained intron. Not counted in ClinVar's aggregate classification.

Dr. Peter K. Rogan Lab, Western University
No classification provided (evidence only). Condition: Cervical cancer. Review status: no classification provided. Collection method: in vitro. Allele origin: not applicable. Functional consequence: retained intron. Not counted in ClinVar's aggregate classification.

Dr. Peter K. Rogan Lab, Western University
No classification provided (evidence only). Condition: Cervical cancer. Review status: no classification provided. Collection method: in vitro. Allele origin: not applicable. Functional consequence: retained intron. Not counted in ClinVar's aggregate classification.

Dr. Peter K. Rogan Lab, Western University
No classification provided (evidence only). Condition: Sarcoma. Review status: no classification provided. Collection method: in vitro. Allele origin: not applicable. Functional consequence: retained intron. Not counted in ClinVar's aggregate classification.

Dr. Peter K. Rogan Lab, Western University
No classification provided (evidence only). Condition: Sarcoma. Review status: no classification provided. Collection method: in vitro. Allele origin: not applicable. Functional consequence: retained intron. Not counted in ClinVar's aggregate classification.

Dr. Peter K. Rogan Lab, Western University
No classification provided (evidence only). Condition: Sarcoma. Review status: no classification provided. Collection method: in vitro. Allele origin: not applicable. Functional consequence: retained intron. Not counted in ClinVar's aggregate classification.

Dr. Peter K. Rogan Lab, Western University
No classification provided (evidence only). Condition: Hepatocellular carcinoma. Review status: no classification provided. Collection method: in vitro. Allele origin: not applicable. Functional consequence: retained intron. Not counted in ClinVar's aggregate classification.

Dr. Peter K. Rogan Lab, Western University
No classification provided (evidence only). Condition: Thymoma. Review status: no classification provided. Collection method: in vitro. Allele origin: not applicable. Functional consequence: retained intron. Not counted in ClinVar's aggregate classification.

Dr. Peter K. Rogan Lab, Western University
No classification provided (evidence only). Condition: Thymoma. Review status: no classification provided. Collection method: in vitro. Allele origin: not applicable. Functional consequence: retained intron. Not counted in ClinVar's aggregate classification.

Dr. Peter K. Rogan Lab, Western University
No classification provided (evidence only). Condition: Thymoma. Review status: no classification provided. Collection method: in vitro. Allele origin: not applicable. Functional consequence: retained intron. Not counted in ClinVar's aggregate classification.

Dr. Peter K. Rogan Lab, Western University
No classification provided (evidence only). Condition: Ovarian serous cystadenocarcinoma. Review status: no classification provided. Collection method: in vitro. Allele origin: not applicable. Functional consequence: retained intron. Not counted in ClinVar's aggregate classification.

Dr. Peter K. Rogan Lab, Western University
No classification provided (evidence only). Condition: Gastric cancer. Review status: no classification provided. Collection method: in vitro. Allele origin: not applicable. Functional consequence: retained intron. Not counted in ClinVar's aggregate classification.

Dr. Peter K. Rogan Lab, Western University
No classification provided (evidence only). Condition: Germ cell tumor of testis. Review status: no classification provided. Collection method: in vitro. Allele origin: not applicable. Functional consequence: retained intron. Not counted in ClinVar's aggregate classification.

NM_001465.6(FYB1):c.2430G>A (p.Ala810=)

Gene: FYB1 (FYN binding protein 1; minus strand). Cytogenetic location: 5p13.1.
Variant type: single nucleotide variant.
Coding change: c.2430G>A on transcript NM_001465.6 (MANE Select); coding-DNA position 2430, G replaced by A.
Protein change: p.Ala810=; no amino-acid change (alanine 810 retained).
Molecular consequence: synonymous variant.
Genome position (GRCh38, 1-based): chr5:39,110,361, C>T on the plus strand (G>A on the coding strand, the complement: FYB1 is on the minus strand). VCF-style: chr5-39110361-C-T. GRCh37 (hg19) VCF-style: chr5-39110463-C-T.
Other names: NC_000005.9:g.39110463C>T; p.Ala810=; c.2460G>A, p.Ala820= (NM_001243093.2); c.2430G>A, p.Ala810= (NM_001349333.2); c.2322G>A, p.Ala774= (NM_018594.2); c.2292G>A, p.Ala764= (NM_199335.5).
Identifiers: ClinVar variation 4316162 (VCV004316162.3).
Genomic context (GRCh38, chr5:39,110,361, plus strand): 5'-AAGAAAGGCACAAAATTCTTTTCACAAGCATAGTAGTAGAAGAAAATGGGCTTACTTGTC[C>T]GCTAGGTAACTCCGAAGGACATAACCATCTACGAAGGAAAAAGGAAATAAATTGTATCAA-3'
Protein context (NP_001456.3, residues 800-820): KYGYVLRSYL[Ala810=]DNDGEIYDDI